The following is an entry in ClinVar:

ClinVar aggregate classification (germline): Uncertain significance (1 of 4 stars; one submission).

Submission:

Labcorp Genetics (formerly Invitae), Labcorp
Classification: Uncertain significance. Last evaluated: 2022-07-14. Review status: criteria provided, single submitter. Criteria: Invitae Variant Classification Sherloc (09022015). Collection method: clinical testing. Allele origin: germline.
Comment: This sequence change replaces alanine, which is neutral and non-polar, with threonine, which is neutral and polar, at codon 69 of the OCA2 protein (p.Ala69Thr). This variant is not present in population databases (gnomAD no frequency). This variant has not been reported in the literature in individuals affected with OCA2-related conditions. Advanced modeling of protein sequence and biophysical properties (such as structural, functional, and spatial information, amino acid conservation, physicochemical variation, residue mobility, and thermodynamic stability) performed at Invitae indicates that this missense variant is not expected to disrupt OCA2 protein function. In summary, the available evidence is currently insufficient to determine the role of this variant in disease. Therefore, it has been classified as a Variant of Uncertain Significance.

NM_000275.3(OCA2):c.205G>A (p.Ala69Thr)

Gene: OCA2 (OCA2 melanosomal transmembrane protein; minus strand). Cytogenetic location: 15q13.1.
Variant type: single nucleotide variant.
Coding change: c.205G>A on transcript NM_000275.3 (MANE Select); coding-DNA position 205, G replaced by A.
Protein change: p.Ala69Thr; replaces alanine 69 with threonine.
Molecular consequence: missense variant.
Genome position (GRCh38, 1-based): chr15:28,081,670, C>T on the plus strand (G>A on the coding strand, the complement: OCA2 is on the minus strand). VCF-style: chr15-28081670-C-T. GRCh37 (hg19) VCF-style: chr15-28326816-C-T.
Other names: c.205G>A, p.Ala69Thr (NM_001300984.2); short protein forms A69T.
Identifiers: ClinVar variation 1946773 (VCV001946773.5), dbSNP rs2141896024, ClinGen allele CA391366561.